The following is an entry in ClinVar:

NM_006567.5(FARS2):c.958G>T (p.Ala320Ser)

Gene: FARS2 (phenylalanyl-tRNA synthetase 2, mitochondrial; plus strand). Cytogenetic location: 6p25.1.
Variant type: single nucleotide variant.
Coding change: c.958G>T on transcript NM_006567.5 (MANE Select); coding-DNA position 958, G replaced by T.
Protein change: p.Ala320Ser; replaces alanine 320 with serine.
Molecular consequence: missense variant.
Genome position (GRCh38, 1-based): chr6:5,545,233, G>T. VCF-style: chr6-5545233-G-T. GRCh37 (hg19) VCF-style: chr6-5545466-G-T.
Other names: c.958G>T, p.Ala320Ser (NM_001318872.2, NM_001374875.1, NM_001374876.1 and 4 more transcripts); c.826G>T, p.Ala276Ser (NM_001375258.1); c.262G>T, p.Ala88Ser (NM_001375259.1, NM_001375260.1); short protein forms A320S, A88S, A276S.
Identifiers: ClinVar variation 856345 (VCV000856345.9), dbSNP rs767870566, ClinGen allele CA3623845.
Genomic context (GRCh38, chr6:5,545,233, plus strand): 5'-ATCACAGCTGGTGCTCAAGACCGAATCGGCTGGGCTTTTGGCCTAGGATTAGAAAGGCTA[G>T]CCATGATCCTCTACGACATCCCTGATATCCGTCTCTTCTGGTGTGAGGACGAGCGCTTCC-3'
Protein context (NP_006558.1, residues 310-330): WAFGLGLERL[Ala320Ser]MILYDIPDIR

ClinVar aggregate classification (germline): Uncertain significance (1 of 4 stars; one submission).

Conditions:
Combined oxidative phosphorylation defect type 14. Also called: Combined oxidative phosphorylation deficiency 14. Identifiers: Orphanet 319519, MedGen C4755312, MONDO:0013986, OMIM 614946.

Allele frequency attached by ClinVar (database versions not stated): gnomAD exomes below 0.00001; ExAC 0.00001; gnomAD 0.00001; TOPMed 0.00002.
gnomAD v4.1: 2 of 1,613,928 alleles (0.00012%); highest among the groups gnomAD compares: African/African-American, 0.0027%; no homozygotes.

Submission:

Labcorp Genetics (formerly Invitae), Labcorp
Classification: Uncertain significance for Combined oxidative phosphorylation defect type 14. Last evaluated: 2021-06-06. Review status: criteria provided, single submitter. Criteria: Invitae Variant Classification Sherloc (09022015). Collection method: clinical testing. Allele origin: germline.
Comment: This sequence change replaces alanine with serine at codon 320 of the FARS2 protein (p.Ala320Ser). The alanine residue is moderately conserved and there is a moderate physicochemical difference between alanine and serine. In summary, the available evidence is currently insufficient to determine the role of this variant in disease. Therefore, it has been classified as a Variant of Uncertain Significance. Algorithms developed to predict the effect of missense changes on protein structure and function are either unavailable or do not agree on the potential impact of this missense change (SIFT: "Deleterious"; PolyPhen-2: "Probably Damaging"; Align-GVGD: "Class C0"). This variant has not been reported in the literature in individuals with FARS2-related conditions. This variant is present in population databases (rs767870566, ExAC 0.01%).